The following is an entry in ClinVar:

ClinVar aggregate classification (germline): Uncertain significance (1 of 4 stars; one submission).

Submission:

Labcorp Genetics (formerly Invitae), Labcorp
Classification: Uncertain significance. Last evaluated: 2024-05-09. Review status: criteria provided, single submitter. Criteria: Invitae Variant Classification Sherloc (09022015). Collection method: clinical testing. Allele origin: germline.
Comment: This sequence change replaces glycine, which is neutral and non-polar, with valine, which is neutral and non-polar, at codon 164 of the CRAT protein (p.Gly164Val). This variant is present in population databases (rs149054165, gnomAD 0.006%). This variant has not been reported in the literature in individuals affected with CRAT-related conditions. Advanced modeling of protein sequence and biophysical properties (such as structural, functional, and spatial information, amino acid conservation, physicochemical variation, residue mobility, and thermodynamic stability) performed at Invitae indicates that this missense variant is expected to disrupt CRAT protein function with a positive predictive value of 80%. In summary, the available evidence is currently insufficient to determine the role of this variant in disease. Therefore, it has been classified as a Variant of Uncertain Significance.

NM_000755.5(CRAT):c.491G>T (p.Gly164Val)

Gene: CRAT (carnitine O-acetyltransferase; minus strand). Cytogenetic location: 9q34.11.
Variant type: single nucleotide variant.
Coding change: c.491G>T on transcript NM_000755.5 (MANE Select); coding-DNA position 491, G replaced by T.
Protein change: p.Gly164Val; replaces glycine 164 with valine.
Molecular consequence: missense variant.
Genome position (GRCh38, 1-based): chr9:129,102,539, C>A on the plus strand (G>T on the coding strand, the complement: CRAT is on the minus strand). VCF-style: chr9-129102539-C-A. GRCh37 (hg19) VCF-style: chr9-131864818-C-A.
Other names: c.428G>T, p.Gly143Val (NM_001257363.3, NM_001346548.2, NM_004003.4); c.494G>T, p.Gly165Val (NM_001346546.2); c.491G>T, p.Gly164Val (NM_001346547.2); c.371G>T, p.Gly124Val (NM_001346549.2); short protein forms G165V, G124V, G164V, G143V.
Identifiers: ClinVar variation 2968278 (VCV002968278.3), dbSNP rs149054165, ClinGen allele CA5275718.